The following is an entry in ClinVar:

ClinVar aggregate classification (germline): Uncertain significance (1 of 4 stars; one submission).

Conditions:
Spermatogenic failure 18. Identifiers: MedGen C4539783, MONDO:0054615, OMIM 617576.
Ciliary dyskinesia, primary, 37 (CILD37). Also called: CILIARY DYSKINESIA, PRIMARY, 37, WITH OR WITHOUT SITUS INVERSUS. Identifiers: MedGen C4539798, MONDO:0033204, OMIM 617577.

Allele frequency attached by ClinVar (database versions not stated): gnomAD 0.00003; gnomAD exomes 0.00003 and 0.00006; ExAC 0.00005; TOPMed 0.00005.

Submission:

Labcorp Genetics (formerly Invitae), Labcorp
Classification: Uncertain significance for Ciliary dyskinesia, primary, 37; Spermatogenic failure 18. Last evaluated: 2022-09-06. Review status: criteria provided, single submitter. Criteria: Invitae Variant Classification Sherloc (09022015). Collection method: clinical testing. Allele origin: germline.
Comment: This sequence change replaces methionine, which is neutral and non-polar, with threonine, which is neutral and polar, at codon 1946 of the DNAH1 protein (p.Met1946Thr). This variant is present in population databases (rs777353614, gnomAD 0.04%). This variant has not been reported in the literature in individuals affected with DNAH1-related conditions. ClinVar contains an entry for this variant (Variation ID: 647044). Algorithms developed to predict the effect of missense changes on protein structure and function are either unavailable or do not agree on the potential impact of this missense change (SIFT: "Deleterious"; PolyPhen-2: "Benign"; Align-GVGD: "Class C65"). In summary, the available evidence is currently insufficient to determine the role of this variant in disease. Therefore, it has been classified as a Variant of Uncertain Significance.

NM_015512.5(DNAH1):c.5837T>C (p.Met1946Thr)

Gene: DNAH1 (dynein axonemal heavy chain 1; plus strand). Cytogenetic location: 3p21.1.
Variant type: single nucleotide variant.
Coding change: c.5837T>C on transcript NM_015512.5 (MANE Select); coding-DNA position 5837, T replaced by C.
Protein change: p.Met1946Thr; replaces methionine 1946 with threonine.
Molecular consequence: missense variant.
Genome position (GRCh38, 1-based): chr3:52,368,812, T>C. VCF-style: chr3-52368812-T-C. GRCh37 (hg19) VCF-style: chr3-52402828-T-C.
Other names: short protein forms M1946T.
Identifiers: ClinVar variation 647044 (VCV000647044.5), dbSNP rs777353614, ClinGen allele CA2434349.
Genomic context (GRCh38, chr3:52,368,812, plus strand): 5'-TATTCTCCTCGTTCATCCGGGCGGGGGCCATCACCTCCGACACCAACAAGAAGTGGTACA[T>C]GTTCGATGGGCCGGTGGATGCCATCTGGATTGAGAACATGAACACGGTGCTGGATGACAA-3'
Protein context (NP_056327.4, residues 1936-1956): ITSDTNKKWY[Met1946Thr]FDGPVDAIWI